The following is an entry in ClinVar:

NM_000732.6(CD3D):c.403G>A (p.Gly135Arg)

Gene: CD3D (CD3 delta subunit of T-cell receptor complex; minus strand). Cytogenetic location: 11q23.3.
Variant type: single nucleotide variant.
Coding change: c.403G>A on transcript NM_000732.6 (MANE Select); coding-DNA position 403, G replaced by A.
Protein change: p.Gly135Arg; replaces glycine 135 with arginine.
Molecular consequence: missense variant. On other transcripts: intron variant (1).
Genome position (GRCh38, 1-based): chr11:118,339,778, C>T on the plus strand (G>A on the coding strand, the complement: CD3D is on the minus strand). VCF-style: chr11-118339778-C-T. GRCh37 (hg19) VCF-style: chr11-118210493-C-T.
Other names: c.275-284G>A (NM_001040651.2); short protein forms G135R.
Identifiers: ClinVar variation 846720 (VCV000846720.11), dbSNP rs1948283623, ClinGen allele CA382788041.

ClinVar aggregate classification (germline): Uncertain significance (1 of 4 stars; one submission).

Conditions:
Immunodeficiency 19 (IMD19). Also called: SCID, T CELL-NEGATIVE, B CELL-POSITIVE, NK CELL-POSITIVE; IMMUNODEFICIENCY 19, SEVERE COMBINED; CD3-DELTA DEFICIENCY; SEVERE COMBINED IMMUNODEFICIENCY, T CELL-NEGATIVE, B CELL-POSITIVE, NK CELL-POSITIVE. Identifiers: MedGen C3810147, MONDO:0014280, OMIM 615617.

Submission:

Labcorp Genetics (formerly Invitae), Labcorp
Classification: Uncertain significance for Immunodeficiency 19. Last evaluated: 2022-07-06. Review status: criteria provided, single submitter. Criteria: Invitae Variant Classification Sherloc (09022015). Collection method: clinical testing. Allele origin: germline.
Comment: In summary, the available evidence is currently insufficient to determine the role of this variant in disease. Therefore, it has been classified as a Variant of Uncertain Significance. Algorithms developed to predict the effect of missense changes on protein structure and function output the following: SIFT: "Tolerated"; PolyPhen-2: "Benign"; Align-GVGD: "Class C0". The arginine amino acid residue is found in multiple mammalian species, which suggests that this missense change does not adversely affect protein function. ClinVar contains an entry for this variant (Variation ID: 846720). This variant has not been reported in the literature in individuals affected with CD3D-related conditions. This variant is not present in population databases (gnomAD no frequency). This sequence change replaces glycine, which is neutral and non-polar, with arginine, which is basic and polar, at codon 135 of the CD3D protein (p.Gly135Arg).